The following is an entry in ClinVar:

NM_002618.4(PEX13):c.353T>A (p.Phe118Tyr)

Gene: PEX13 (peroxisomal biogenesis factor 13; plus strand). Cytogenetic location: 2p15.
Variant type: single nucleotide variant.
Coding change: c.353T>A on transcript NM_002618.4 (MANE Select); coding-DNA position 353, T replaced by A.
Protein change: p.Phe118Tyr; replaces phenylalanine 118 with tyrosine.
Molecular consequence: missense variant.
Genome position (GRCh38, 1-based): chr2:61,031,679, T>A. VCF-style: chr2-61031679-T-A. GRCh37 (hg19) VCF-style: chr2-61258814-T-A.
Other names: p.Phe118Tyr; short protein forms F118Y.
Identifiers: ClinVar variation 597929 (VCV000597929.13), dbSNP rs749542687, ClinGen allele CA1673286.

ClinVar aggregate classification (germline): Uncertain significance. Review status: criteria provided, multiple submitters, no conflicts (2 of 4 stars). 6 submissions from 6 submitters: Uncertain significance (6). Last evaluated 2026-07-22.

Conditions:
Peroxisome biogenesis disorder 11A (Zellweger). Also called: Peroxisome biogenesis disorder 11A. Identifiers: Orphanet 912, MedGen C3554000, MONDO:0013949, OMIM 614883.
PEX13-related disorder. Also called: PEX13-related disorders; PEX13-related condition.
Inborn genetic diseases. Identifiers: MedGen C0950123, MeSH D030342.

Allele frequency attached by ClinVar (database versions not stated): ExAC 0.00001; gnomAD 0.00003 and 0.00004; TOPMed 0.00008.
gnomAD v4.1: 40 of 1,614,056 alleles (0.0025%); highest among the groups gnomAD compares: Admixed American, 0.02%; no homozygotes.

Submissions (6):

PreventionGenetics, part of Exact Sciences
Classification: Uncertain significance for PEX13-related condition. Last evaluated: 2026-07-22. Review status: criteria provided, single submitter. Criteria: ACMG Guidelines, 2015. Collection method: clinical testing. Allele origin: germline.
Comment: The PEX13 c.353T>A variant is predicted to result in the amino acid substitution p.Phe118Tyr. To our knowledge, this variant has not been reported in the literature. This variant is reported in 0.012% of alleles in individuals of Latino descent in gnomAD. At this time, the clinical significance of this variant is uncertain due to the absence of conclusive functional and genetic evidence.

Ambry Genetics
Classification: Uncertain significance for Inborn genetic diseases. Last evaluated: 2024-10-12. Review status: criteria provided, single submitter. Criteria: Ambry Variant Classification Scheme 2023. Collection method: clinical testing. Allele origin: germline.

Mayo Clinic Laboratories, Mayo Clinic
Classification: Uncertain significance. Last evaluated: 2024-04-03. Review status: criteria provided, single submitter. Criteria: ACMG Guidelines, 2015. Collection method: clinical testing. Allele origin: germline. Observed: 1 variant allele.

Blueprint Genetics
Classification: Uncertain significance. Last evaluated: 2023-10-06. Review status: criteria provided, single submitter. Criteria: ACMG Guidelines, 2015. Collection method: clinical testing. Allele origin: germline.

Labcorp Genetics (formerly Invitae), Labcorp
Classification: Uncertain significance for Peroxisome biogenesis disorder 11A (Zellweger). Last evaluated: 2022-10-28. Review status: criteria provided, single submitter. Criteria: Invitae Variant Classification Sherloc (09022015). Collection method: clinical testing. Allele origin: germline.
Comment: This sequence change replaces phenylalanine, which is neutral and non-polar, with tyrosine, which is neutral and polar, at codon 118 of the PEX13 protein (p.Phe118Tyr). This variant is present in population databases (rs749542687, gnomAD 0.01%). This variant has not been reported in the literature in individuals affected with PEX13-related conditions. ClinVar contains an entry for this variant (Variation ID: 597929). Advanced modeling of protein sequence and biophysical properties (such as structural, functional, and spatial information, amino acid conservation, physicochemical variation, residue mobility, and thermodynamic stability) performed at Invitae indicates that this missense variant is expected to disrupt PEX13 protein function. In summary, the available evidence is currently insufficient to determine the role of this variant in disease. Therefore, it has been classified as a Variant of Uncertain Significance.

Eurofins Ntd Llc (ga)
Classification: Uncertain significance. Last evaluated: 2018-07-09. Review status: criteria provided, single submitter. Criteria: EGL ClinVar v180209 classification definitions. Collection method: clinical testing. Allele origin: germline. Observed: 1 variant allele, 1 heterozygote.